The following is an entry in ClinVar:

ClinVar aggregate classification (germline): Uncertain significance (1 of 4 stars; one submission).

Conditions:
Neurodevelopmental disorder with hypotonia, language delay, and skeletal defects with or without seizures (NEDHLSS). Identifiers: MedGen C5774213, MONDO:0859286, OMIM 620029.

Submission:

MVZ Medizinische Genetik Mainz
Classification: Uncertain significance for Neurodevelopmental disorder with hypotonia, language delay, and skeletal defects with or without seizures. Last evaluated: 2025-12-09. Review status: criteria provided, single submitter. Criteria: UK Practice Guidelines For Variant Classification V4 01 2020. Collection method: clinical testing. Allele origin: germline. Inheritance: Autosomal dominant inheritance. Affected: yes. Observed: 1 variant allele.
Comment: ACMG Criteria: PP3_MOD,PM2_SUP,PP2

NM_000719.7(CACNA1C):c.560C>A (p.Pro187His)

Gene: CACNA1C (calcium voltage-gated channel subunit alpha1 C; plus strand). Cytogenetic location: 12p13.33.
Variant type: single nucleotide variant.
Coding change: c.560C>A on transcript NM_000719.7 (MANE Select); coding-DNA position 560, C replaced by A.
Protein change: p.Pro187His; replaces proline 187 with histidine.
Molecular consequence: missense variant.
Genome position (GRCh38, 1-based): chr12:2,449,058, C>A. VCF-style: chr12-2449058-C-A. GRCh37 (hg19) VCF-style: chr12-2558224-C-A.
Other names: c.560C>A, p.Pro187His (NM_001129827.2, NM_001129829.2, NM_001129830.3 and 19 more transcripts); short protein forms P187H.
Identifiers: ClinVar variation 4540403 (VCV004540403.1).